The following is an entry in ClinVar:

ClinVar aggregate classification (germline): Pathogenic/Likely pathogenic. Review status: criteria provided, multiple submitters, no conflicts (2 of 4 stars). 3 submissions from 3 submitters: Pathogenic (2); Likely pathogenic (1). Last evaluated 2025-06-30.

Conditions:
Primary ciliary dyskinesia 3. Identifiers: Orphanet 244, MedGen C1837618, MONDO:0012085, OMIM 608644.
Primary ciliary dyskinesia. Also called: Ciliary dyskinesia. Identifiers: Orphanet 244, MedGen C0008780, MONDO:0016575, HP:0012265.

gnomAD v4.1: 1 of 1,614,114 alleles (0.000062%); highest among the groups gnomAD compares: Non-Finnish European, 0.000085%; no homozygotes.

Submissions (3):

Myriad Genetics, Inc.
Classification: Pathogenic for Primary ciliary dyskinesia 3. Last evaluated: 2025-06-30. Review status: criteria provided, single submitter. Criteria: Myriad Autosomal Dominant, Autosomal Recessive and X-Linked Classification Criteria (2023). Collection method: clinical testing. Allele origin: unknown.
Comment: NM_001369.2(DNAH5):c.5527G>T(E1843*) is expected to be pathogenic in the context of primary ciliary dyskinesia, DNAH5-related. This variant is predicted to lead to an abnormal or absent protein product due to the creation of a premature termination codon in DNAH5, a gene where loss-of-function variants are known to be pathogenic. Please note: this variant was assessed in the context of healthy population screening.

Labcorp Genetics (formerly Invitae), Labcorp
Classification: Pathogenic for Primary ciliary dyskinesia. Last evaluated: 2025-02-27. Review status: criteria provided, single submitter. Criteria: Invitae Variant Classification Sherloc (09022015). Collection method: clinical testing. Allele origin: germline.
Comment: This sequence change creates a premature translational stop signal (p.Glu1843*) in the DNAH5 gene. It is expected to result in an absent or disrupted protein product. Loss-of-function variants in DNAH5 are known to be pathogenic (PMID: 11788826, 16627867). This variant is not present in population databases (gnomAD no frequency). This premature translational stop signal has been observed in individual(s) with DNAH5-related conditions (PMID: 31638833). For these reasons, this variant has been classified as Pathogenic.

Natera, Inc.
Classification: Likely pathogenic for Primary ciliary dyskinesia. Last evaluated: 2024-04-17. Review status: criteria provided, single submitter. Criteria: Natera Variant Classification Schema (03/2026). Collection method: clinical testing. Allele origin: germline.
Comment: The c.5527G>T variant in DNAH5 is a nonsense variant predicted to introduce a stop codon at amino acid 1843. This variant is expected to result in nonsense mediated decay, truncation, or a dysfunctional protein product. This variant is rare in the general population with a frequency below the threshold expected for the associated phenotype(s). Given the available evidence, this variant is classified as Likely Pathogenic.

Literature cited by the submitters: PubMed 11788826 (cited by Labcorp Genetics (formerly Invitae), Labcorp); PubMed 16627867 (cited by Labcorp Genetics (formerly Invitae), Labcorp); PubMed 31638833 (cited by Labcorp Genetics (formerly Invitae), Labcorp).

NM_001369.3(DNAH5):c.5527G>T (p.Glu1843Ter)

Gene: DNAH5 (dynein axonemal heavy chain 5; minus strand). Cytogenetic location: 5p15.2.
Variant type: single nucleotide variant.
Coding change: c.5527G>T on transcript NM_001369.3 (MANE Select); coding-DNA position 5527, G replaced by T.
Protein change: p.Glu1843Ter; replaces glutamic acid 1843 with a stop codon.
Molecular consequence: nonsense.
Genome position (GRCh38, 1-based): chr5:13,841,088, C>A on the plus strand (G>T on the coding strand, the complement: DNAH5 is on the minus strand). VCF-style: chr5-13841088-C-A. GRCh37 (hg19) VCF-style: chr5-13841197-C-A.
Other names: c.5527G>T (NM_001369.2); short protein forms E1843*.
Identifiers: ClinVar variation 4694672 (VCV004694672.3).